The following is an entry in ClinVar:

NM_024675.4(PALB2):c.106C>A (p.Gln36Lys)

Gene: PALB2 (partner and localizer of BRCA2; minus strand). Cytogenetic location: 16p12.2.
Variant type: single nucleotide variant.
Coding change: c.106C>A on transcript NM_024675.4 (MANE Select); coding-DNA position 106, C replaced by A.
Protein change: p.Gln36Lys; replaces glutamine 36 with lysine.
Molecular consequence: missense variant.
Genome position (GRCh38, 1-based): chr16:23,638,072, G>T on the plus strand (C>A on the coding strand, the complement: PALB2 is on the minus strand). VCF-style: chr16-23638072-G-T. GRCh37 (hg19) VCF-style: chr16-23649393-G-T.
Other names: short protein forms Q36K.
Identifiers: ClinVar variation 1489813 (VCV001489813.10), dbSNP rs757369748, ClinGen allele CA7963860.
Genomic context (GRCh38, chr16:23,638,072, plus strand): 5'-AACTGTTTTTAAATTGTTTGTACTATAACACCTTAATTTGAGAATACGATTCACTTACCT[G>T]AAGGCGGGCTAGTGTCTTGCTGTATTCCCTTTTCAAGAATGCTAATTTCTCCTTTAACTG-3'
Protein context (NP_078951.2, residues 26-46): REYSKTLARL[Gln36Lys]RAQRAEKIKH

ClinVar aggregate classification (germline): Uncertain significance. Review status: criteria provided, multiple submitters, no conflicts (2 of 4 stars). 2 submissions from 2 submitters: Uncertain significance (2). Last evaluated 2024-08-28.

Conditions:
Hereditary cancer-predisposing syndrome. Also called: Tumor predisposition; Hereditary neoplastic syndrome; Neoplastic Syndromes, Hereditary; Hereditary Cancer Syndrome. Identifiers: Orphanet 140162, MedGen C0027672, MeSH D009386, MONDO:0015356.
Familial cancer of breast. Also called: BREAST CANCER, FAMILIAL; Hereditary breast cancer; hereditary breast carcinoma. Identifiers: Orphanet 227535, MedGen C0346153, MONDO:0016419, OMIM 114480. Disease mechanism: loss of function.

Allele frequency attached by ClinVar (database versions not stated): gnomAD exomes below 0.00001; TOPMed below 0.00001; ExAC 0.00001.
gnomAD v4.1: 1 of 1,613,752 alleles (0.000062%); highest among the groups gnomAD compares: African/African-American, 0.0013%; no homozygotes.

Submissions (2):

Ambry Genetics
Classification: Uncertain significance for Hereditary cancer-predisposing syndrome. Last evaluated: 2024-08-28. Review status: criteria provided, single submitter. Criteria: Ambry Variant Classification Scheme 2023. Collection method: clinical testing. Allele origin: germline.
Comment: The p.Q36K variant (also known as c.106C>A), located in coding exon 2 of the PALB2 gene, results from a C to A substitution at nucleotide position 106. The glutamine at codon 36 is replaced by lysine, an amino acid with similar properties. This amino acid position is well conserved in available vertebrate species. In addition, the in silico prediction for this alteration is inconclusive. Since supporting evidence is limited at this time, the clinical significance of this alteration remains unclear.

Labcorp Genetics (formerly Invitae), Labcorp
Classification: Uncertain significance for Familial cancer of breast. Last evaluated: 2021-08-07. Review status: criteria provided, single submitter. Criteria: Invitae Variant Classification Sherloc (09022015). Collection method: clinical testing. Allele origin: germline.
Comment: This sequence change replaces glutamine with lysine at codon 36 of the PALB2 protein (p.Gln36Lys). The glutamine residue is highly conserved and there is a small physicochemical difference between glutamine and lysine. This variant is present in population databases (rs757369748, ExAC 0.01%). This variant has not been reported in the literature in individuals affected with PALB2-related conditions. Algorithms developed to predict the effect of missense changes on protein structure and function output the following: SIFT: "Tolerated"; PolyPhen-2: "Possibly Damaging"; Align-GVGD: "Class C0". The lysine amino acid residue is found in multiple mammalian species, which suggests that this missense change does not adversely affect protein function. In summary, the available evidence is currently insufficient to determine the role of this variant in disease. Therefore, it has been classified as a Variant of Uncertain Significance.